The following is an entry in ClinVar:

ClinVar aggregate classification (germline): Uncertain significance (1 of 4 stars; one submission).

Submission:

Labcorp Genetics (formerly Invitae), Labcorp
Classification: Uncertain significance. Last evaluated: 2022-08-16. Review status: criteria provided, single submitter. Criteria: Invitae Variant Classification Sherloc (09022015). Collection method: clinical testing. Allele origin: germline.
Comment: Algorithms developed to predict the effect of missense changes on protein structure and function are either unavailable or do not agree on the potential impact of this missense change (SIFT: "Deleterious"; PolyPhen-2: "Benign"; Align-GVGD: "Class C0"). ClinVar contains an entry for this variant (Variation ID: 970061). This sequence change replaces alanine, which is neutral and non-polar, with glycine, which is neutral and non-polar, at codon 386 of the MERTK protein (p.Ala386Gly). This variant is not present in population databases (gnomAD no frequency). This variant has not been reported in the literature in individuals affected with MERTK-related conditions. In summary, the available evidence is currently insufficient to determine the role of this variant in disease. Therefore, it has been classified as a Variant of Uncertain Significance.

NM_006343.3(MERTK):c.1157C>G (p.Ala386Gly)

Gene: MERTK (MER proto-oncogene, tyrosine kinase; plus strand). Cytogenetic location: 2q13.
Variant type: single nucleotide variant.
Coding change: c.1157C>G on transcript NM_006343.3 (MANE Select); coding-DNA position 1157, C replaced by G.
Protein change: p.Ala386Gly; replaces alanine 386 with glycine.
Molecular consequence: missense variant.
Genome position (GRCh38, 1-based): chr2:111,982,854, C>G. VCF-style: chr2-111982854-C-G. GRCh37 (hg19) VCF-style: chr2-112740431-C-G.
Other names: short protein forms A386G.
Identifiers: ClinVar variation 970061 (VCV000970061.9), dbSNP rs1676399795, ClinGen allele CA348235241.